The following is an entry in ClinVar:

ClinVar aggregate classification (germline): Benign. Review status: criteria provided, multiple submitters, no conflicts (2 of 4 stars). 3 submissions from 3 submitters: Benign (3). Last evaluated 2025-12-17.

Conditions:
RNF213-related disorder. Also called: RNF213-related condition.

Allele frequency attached by ClinVar (database versions not stated): gnomAD exomes 0.00091 and 0.00210; ExAC 0.00289; gnomAD 0.00997 and 0.01073; 1000 Genomes Project 0.01058; 1000 Genomes Project 30x 0.01124; TOPMed 0.01168.
gnomAD v4.1: 2,825 of 1,529,434 alleles (0.18%); highest among the groups gnomAD compares: African/African-American, 3.4%; 50 homozygotes.

Submissions (3):

Labcorp Genetics (formerly Invitae), Labcorp
Classification: Benign. Last evaluated: 2025-12-17. Review status: criteria provided, single submitter. Criteria: Invitae Variant Classification Sherloc (09022015). Collection method: clinical testing. Allele origin: germline.

PreventionGenetics, part of Exact Sciences
Classification: Benign for RNF213-related condition. Last evaluated: 2025-04-02. Review status: criteria provided, single submitter. Criteria: ACMG Guidelines, 2015. Collection method: clinical testing. Allele origin: germline.
Comment: This variant is classified as benign based on ACMG/AMP sequence variant interpretation guidelines (Richards et al. 2015 PMID: 25741868, with internal and published modifications).

Mayo Clinic Laboratories, Mayo Clinic
Classification: Benign. Last evaluated: 2023-04-27. Review status: criteria provided, single submitter. Criteria: ACMG Guidelines, 2015. Collection method: clinical testing. Allele origin: germline. Observed: 6 variant alleles.
Comment: BS1, BS2, BP4, BP7

NM_001256071.3(RNF213):c.3518-9C>T

Gene: RNF213 (ring finger protein 213; plus strand). Cytogenetic location: 17q25.3.
Variant type: single nucleotide variant.
Coding change: c.3518-9C>T on transcript NM_001256071.3 (MANE Select); 9 bases into the intron before coding-DNA position 3518, C replaced by T.
Molecular consequence: intron variant.
Genome position (GRCh38, 1-based): chr17:80,331,997, C>T. VCF-style: chr17-80331997-C-T. GRCh37 (hg19) VCF-style: chr17-78305797-C-T.
Other names: p.?.
Identifiers: ClinVar variation 784365 (VCV000784365.9), dbSNP rs76356550, ClinGen allele CA8820184.
Genomic context (GRCh38, chr17:80,331,997, plus strand): 5'-AGGAAAGTGAAATAAAATGGAATCATGATTAGAGCTTTGACTTCTGACACTTTCTTTTCG[C>T]TTCTAAAGTGGACTTTGGAGTGCTTGCAGTAAGACACTCACAAGACCTCAGCAGTAAAAG-3'